The following is an entry in ClinVar:

ClinVar aggregate classification (germline): Uncertain significance (1 of 4 stars; one submission).

Conditions:
Hereditary cancer-predisposing syndrome. Also called: Tumor predisposition; Neoplastic Syndromes, Hereditary; Hereditary Cancer Syndrome; Hereditary neoplastic syndrome. Identifiers: Orphanet 140162, MedGen C0027672, MeSH D009386, MONDO:0015356.

Submission:

Ambry Genetics
Classification: Uncertain significance for Hereditary cancer-predisposing syndrome. Last evaluated: 2024-10-11. Review status: criteria provided, single submitter. Criteria: Ambry Variant Classification Scheme 2023. Collection method: clinical testing. Allele origin: germline.
Comment: The p.K109E variant (also known as c.325A>G), located in coding exon 3 of the FANCC gene, results from an A to G substitution at nucleotide position 325. The lysine at codon 109 is replaced by glutamic acid, an amino acid with similar properties. This amino acid position is conserved. In addition, this alteration is predicted to be tolerated by in silico analysis. Based on the available evidence, the clinical significance of this variant remains unclear.

NM_000136.3(FANCC):c.325A>G (p.Lys109Glu)

Gene: FANCC (FA complementation group C; minus strand). Cytogenetic location: 9q22.32.
Variant type: single nucleotide variant.
Coding change: c.325A>G on transcript NM_000136.3 (MANE Select); coding-DNA position 325, A replaced by G.
Protein change: p.Lys109Glu; replaces lysine 109 with glutamic acid.
Molecular consequence: missense variant.
Genome position (GRCh38, 1-based): chr9:95,240,669, T>C on the plus strand (A>G on the coding strand, the complement: FANCC is on the minus strand). VCF-style: chr9-95240669-T-C. GRCh37 (hg19) VCF-style: chr9-98002951-T-C.
Other names: c.325A>G, p.Lys109Glu (NM_001243743.2, NM_001243744.2); short protein forms K109E.
Identifiers: ClinVar variation 3512793 (VCV003512793.1).
Genomic context (GRCh38, chr9:95,240,669, plus strand): 5'-TTTAATTCAAAGAAGTGCAGAGCAAGATTTACTCTCTTACCTGTATCCAGGAGTTAAGTT[T>C]TGATTGTCCAGAATTCTGTGGTTCTTTGTTAATTAGACAACATAAGCACCATATTAGAAT-3'
Protein context (NP_000127.2, residues 99-119): NKEPQNSGQS[Lys109Glu]LNSWIQGVLS